The following is an entry in ClinVar:

NM_144687.4(NLRP12):c.1704C>G (p.Asn568Lys)

Gene: NLRP12 (NLR family pyrin domain containing 12; minus strand). Cytogenetic location: 19q13.42.
Variant type: single nucleotide variant.
Coding change: c.1704C>G on transcript NM_144687.4 (MANE Select); coding-DNA position 1704, C replaced by G.
Protein change: p.Asn568Lys; replaces asparagine 568 with lysine.
Molecular consequence: missense variant.
Genome position (GRCh38, 1-based): chr19:53,809,955, G>C on the plus strand (C>G on the coding strand, the complement: NLRP12 is on the minus strand). VCF-style: chr19-53809955-G-C. GRCh37 (hg19) VCF-style: chr19-54313209-G-C.
Other names: c.1704C>G, p.Asn568Lys (NM_001277126.2, NM_001277129.1); short protein forms N568K.
Identifiers: ClinVar variation 1439439 (VCV001439439.6), dbSNP rs758740079, ClinGen allele CA407412862.

ClinVar aggregate classification (germline): Uncertain significance (1 of 4 stars; one submission).

Conditions:
Familial cold autoinflammatory syndrome 2 (FCAS2). Identifiers: Orphanet 247868, MedGen C2673198, MONDO:0012724, OMIM 611762.

gnomAD v4.1: 1 of 1,614,098 alleles (0.000062%); highest among the groups gnomAD compares: Middle Eastern, 0.016%; no homozygotes.

Submission:

Labcorp Genetics (formerly Invitae), Labcorp
Classification: Uncertain significance for Familial cold autoinflammatory syndrome 2. Last evaluated: 2021-10-20. Review status: criteria provided, single submitter. Criteria: Invitae Variant Classification Sherloc (09022015). Collection method: clinical testing. Allele origin: germline.
Comment: In summary, the available evidence is currently insufficient to determine the role of this variant in disease. Therefore, it has been classified as a Variant of Uncertain Significance. Algorithms developed to predict the effect of sequence changes on RNA splicing suggest that this variant may create or strengthen a splice site. Algorithms developed to predict the effect of missense changes on protein structure and function (SIFT, PolyPhen-2, Align-GVGD) all suggest that this variant is likely to be disruptive. This variant has not been reported in the literature in individuals affected with NLRP12-related conditions. This variant is not present in population databases (ExAC no frequency). This sequence change replaces asparagine with lysine at codon 568 of the NLRP12 protein (p.Asn568Lys). The asparagine residue is highly conserved and there is a moderate physicochemical difference between asparagine and lysine.